The following is an entry in ClinVar:

ClinVar aggregate classification (germline): Uncertain significance (1 of 4 stars; one submission).

Conditions:
RYR1-related disorder. Also called: RYR1-related condition; RYR1-related disorders. Identifiers: MedGen CN239331.

gnomAD v4.1: 2 of 1,611,210 alleles (0.00012%); highest among the groups gnomAD compares: Non-Finnish European, 0.00017%; no homozygotes.

Submission:

Labcorp Genetics (formerly Invitae), Labcorp
Classification: Uncertain significance for RYR1-related disorder. Last evaluated: 2022-04-24. Review status: criteria provided, single submitter. Criteria: Invitae Variant Classification Sherloc (09022015). Collection method: clinical testing. Allele origin: germline.
Comment: This sequence change replaces proline, which is neutral and non-polar, with serine, which is neutral and polar, at codon 2616 of the RYR1 protein (p.Pro2616Ser). This variant is not present in population databases (gnomAD no frequency). This variant has not been reported in the literature in individuals affected with RYR1-related conditions. Advanced modeling of protein sequence and biophysical properties (such as structural, functional, and spatial information, amino acid conservation, physicochemical variation, residue mobility, and thermodynamic stability) performed at Invitae indicates that this missense variant is expected to disrupt RYR1 protein function. In summary, the available evidence is currently insufficient to determine the role of this variant in disease. Therefore, it has been classified as a Variant of Uncertain Significance.

NM_000540.3(RYR1):c.7846C>T (p.Pro2616Ser)

Gene: RYR1 (ryanodine receptor 1; plus strand). Cytogenetic location: 19q13.2.
Variant type: single nucleotide variant.
Coding change: c.7846C>T on transcript NM_000540.3 (MANE Select); coding-DNA position 7846, C replaced by T.
Protein change: p.Pro2616Ser; replaces proline 2616 with serine.
Molecular consequence: missense variant.
Genome position (GRCh38, 1-based): chr19:38,502,890, C>T. VCF-style: chr19-38502890-C-T. GRCh37 (hg19) VCF-style: chr19-38993530-C-T.
Other names: c.7846C>T, p.Pro2616Ser (NM_001042723.2); short protein forms P2616S.
Identifiers: ClinVar variation 1484529 (VCV001484529.3), dbSNP rs2145619973, ClinGen allele CA405673565.
Genomic context (GRCh38, chr19:38,502,890, plus strand): 5'-GCAGAGCGGGCCTGGACGGGGGATTCTACATCTTGTGCATTGTCCCGCAGGTACATCCGC[C>T]CGTCGATGCTGCAGCACCTGTTGCGCCGCCTGGTGTTCGACGTGCCCATCCTCAACGAGT-3'
Protein context (NP_000531.2, residues 2606-2626): CLMSLCRYIR[Pro2616Ser]SMLQHLLRRL